The following is an entry in ClinVar:

NM_006379.5(SEMA3C):c.2121A>G (p.Gln707=)

Gene: SEMA3C (semaphorin 3C; minus strand). Cytogenetic location: 7q21.11.
Variant type: single nucleotide variant.
Coding change: c.2121A>G on transcript NM_006379.5 (MANE Select); coding-DNA position 2121, A replaced by G.
Protein change: p.Gln707=; no amino-acid change (glutamine 707 retained).
Molecular consequence: synonymous variant.
Genome position (GRCh38, 1-based): chr7:80,745,029, T>C on the plus strand (A>G on the coding strand, the complement: SEMA3C is on the minus strand). VCF-style: chr7-80745029-T-C. GRCh37 (hg19) VCF-style: chr7-80374345-T-C.
Other names: c.2175A>G, p.Gln725= (NM_001350120.2); c.1947A>G, p.Gln649= (NM_001350121.2); c.2175A>G (NM_001350120.1).
Identifiers: ClinVar variation 783002 (VCV000783002.7), dbSNP rs149650168, ClinGen allele CA4315910.

ClinVar aggregate classification (germline): Likely benign. Review status: criteria provided, multiple submitters, no conflicts (2 of 4 stars). 3 submissions from 3 submitters: Likely benign (2). 1 of the submissions does not count toward it. Last evaluated 2019-12-31.

Conditions:
SEMA3C-related disorder. Also called: SEMA3C-related condition.

Allele frequency attached by ClinVar (database versions not stated): 1000 Genomes Project 0.00040; ExAC 0.00074; gnomAD exomes 0.00082 and 0.00209; gnomAD 0.00102 and 0.00106; ESP Exome Variant Server 0.00161; 1000 Genomes Project 30x 0.00062; TOPMed 0.00093.
gnomAD v4.1: 3,216 of 1,614,064 alleles (0.2%); highest among the groups gnomAD compares: Non-Finnish European, 0.26%; no homozygotes.

Submissions (3):

Labcorp Genetics (formerly Invitae), Labcorp
Classification: Likely benign. Last evaluated: 2019-12-31. Review status: criteria provided, single submitter. Criteria: Invitae Variant Classification Sherloc (09022015). Collection method: clinical testing. Allele origin: germline.

Breakthrough Genomics
Classification: Likely benign. Review status: criteria provided, single submitter. Criteria: ACMG Guidelines, 2015. Collection method: not provided. Allele origin: germline. Inheritance: Unknown mechanism. Affected: yes.

PreventionGenetics, part of Exact Sciences
Classification: Likely benign for SEMA3C-related condition. Last evaluated: 2021-05-21. Review status: no assertion criteria provided. Collection method: clinical testing. Allele origin: germline. Not counted in ClinVar's aggregate classification.
Comment: This variant is classified as likely benign based on ACMG/AMP sequence variant interpretation guidelines (Richards et al. 2015 PMID: 25741868, with internal and published modifications).